The following is an entry in ClinVar:

ClinVar aggregate classification (germline): Uncertain significance (1 of 4 stars; one submission).

Conditions:
Glycine encephalopathy. Also called: Non-ketotic hyperglycinemia; Nonketotic hyperglycinemia. Identifiers: Orphanet 407, MedGen C0751748, MONDO:0011612, HP:0008288.

Submission:

Labcorp Genetics (formerly Invitae), Labcorp
Classification: Uncertain significance for Glycine encephalopathy. Last evaluated: 2022-11-08. Review status: criteria provided, single submitter. Criteria: Invitae Variant Classification Sherloc (09022015). Collection method: clinical testing. Allele origin: germline.
Comment: In summary, the available evidence is currently insufficient to determine the role of this variant in disease. Therefore, it has been classified as a Variant of Uncertain Significance. Algorithms developed to predict the effect of missense changes on protein structure and function (SIFT, PolyPhen-2, Align-GVGD) all suggest that this variant is likely to be tolerated. ClinVar contains an entry for this variant (Variation ID: 1466751). This variant has not been reported in the literature in individuals affected with AMT-related conditions. This variant is not present in population databases (gnomAD no frequency). This sequence change replaces aspartic acid, which is acidic and polar, with glycine, which is neutral and non-polar, at codon 63 of the AMT protein (p.Asp63Gly).

NM_000481.4(AMT):c.188A>G (p.Asp63Gly)

Gene: AMT (aminomethyltransferase; minus strand). Cytogenetic location: 3p21.31.
Variant type: single nucleotide variant.
Coding change: c.188A>G on transcript NM_000481.4 (MANE Select); coding-DNA position 188, A replaced by G.
Protein change: p.Asp63Gly; replaces aspartic acid 63 with glycine.
Molecular consequence: missense variant. On other transcripts: non-coding transcript variant (1), intron variant (1).
Genome position (GRCh38, 1-based): chr3:49,422,174, T>C on the plus strand (A>G on the coding strand, the complement: AMT is on the minus strand). VCF-style: chr3-49422174-T-C. GRCh37 (hg19) VCF-style: chr3-49459607-T-C.
Other names: c.188A>G, p.Asp63Gly (NM_001164710.2, NM_001164712.2); c.90+187A>G (NM_001164711.2); short protein forms D63G.
Identifiers: ClinVar variation 1466751 (VCV001466751.6), dbSNP rs2107937495, ClinGen allele CA352791156.